The following is an entry in ClinVar:

NM_002755.4(MAP2K1):c.899A>G (p.Tyr300Cys)

Gene: MAP2K1 (mitogen-activated protein kinase kinase 1; plus strand). Cytogenetic location: 15q22.31.
Variant type: single nucleotide variant.
Coding change: c.899A>G on transcript NM_002755.4 (MANE Select); coding-DNA position 899, A replaced by G.
Protein change: p.Tyr300Cys; replaces tyrosine 300 with cysteine.
Molecular consequence: missense variant.
Genome position (GRCh38, 1-based): chr15:66,487,231, A>G. VCF-style: chr15-66487231-A-G. GRCh37 (hg19) VCF-style: chr15-66779569-A-G.
Other names: c.755A>G, p.Tyr252Cys (NM_001411065.1); short protein forms Y300C, Y252C.
Identifiers: ClinVar variation 2843145 (VCV002843145.4), dbSNP rs2140678878, ClinGen allele CA392937466.

ClinVar aggregate classification (germline): Uncertain significance. Review status: criteria provided, multiple submitters, no conflicts (2 of 4 stars). 2 submissions from 2 submitters: Uncertain significance (2). Last evaluated 2023-07-28.

Conditions:
RASopathy. Also called: Noonan spectrum disorder; rasopathies. Identifiers: Orphanet 536391, MedGen C5555857, MONDO:0021060.

Submissions (2):

Labcorp Genetics (formerly Invitae), Labcorp
Classification: Uncertain significance for RASopathy. Last evaluated: 2023-07-28. Review status: criteria provided, single submitter. Criteria: Invitae Variant Classification Sherloc (09022015). Collection method: clinical testing. Allele origin: germline.
Comment: In summary, the available evidence is currently insufficient to determine the role of this variant in disease. Therefore, it has been classified as a Variant of Uncertain Significance. Advanced modeling of protein sequence and biophysical properties (such as structural, functional, and spatial information, amino acid conservation, physicochemical variation, residue mobility, and thermodynamic stability) performed at Invitae indicates that this missense variant is not expected to disrupt MAP2K1 protein function. This variant has not been reported in the literature in individuals affected with MAP2K1-related conditions. This variant is not present in population databases (gnomAD no frequency). This sequence change replaces tyrosine, which is neutral and polar, with cysteine, which is neutral and slightly polar, at codon 300 of the MAP2K1 protein (p.Tyr300Cys).

Blueprint Genetics
Classification: Uncertain significance. Last evaluated: 2021-04-26. Review status: criteria provided, single submitter. Criteria: ACMG Guidelines, 2015. Collection method: clinical testing. Allele origin: germline.